The following is an entry in ClinVar:

ClinVar aggregate classification (germline): Likely benign. Review status: criteria provided, multiple submitters, no conflicts (2 of 4 stars). 4 submissions from 4 submitters: Likely benign (3). 1 of the submissions does not count toward it. Last evaluated 2022-12-01.

Conditions:
ACACB-related disorder. Also called: ACACB-related condition.

Allele frequency attached by ClinVar (database versions not stated): ESP Exome Variant Server 0.00054; TOPMed 0.00065; ExAC 0.00069; gnomAD 0.00072 and 0.00079.

Submissions (4):

CeGaT Center for Human Genetics Tuebingen
Classification: Likely benign. Last evaluated: 2022-12-01. Review status: criteria provided, single submitter. Criteria: CeGaT Center For Human Genetics Tuebingen Variant Classification Criteria Version 2. Collection method: clinical testing. Allele origin: germline. Affected: yes. Observed: 2 variant alleles.
Comment: ACACB: BP4, BP7

Labcorp Genetics (formerly Invitae), Labcorp
Classification: Likely benign. Last evaluated: 2018-12-11. Review status: criteria provided, single submitter. Criteria: Invitae Variant Classification Sherloc (09022015). Collection method: clinical testing. Allele origin: germline.

Breakthrough Genomics
Classification: Likely benign. Review status: criteria provided, single submitter. Criteria: ACMG Guidelines, 2015. Collection method: not provided. Allele origin: germline. Inheritance: Unknown mechanism. Affected: yes.

PreventionGenetics, part of Exact Sciences
Classification: Likely benign for ACACB-related condition. Last evaluated: 2023-12-07. Review status: no assertion criteria provided. Collection method: clinical testing. Allele origin: germline. Not counted in ClinVar's aggregate classification.
Comment: This variant is classified as likely benign based on ACMG/AMP sequence variant interpretation guidelines (Richards et al. 2015 PMID: 25741868, with internal and published modifications).

NM_001093.4(ACACB):c.1950C>T (p.Ala650=)

Gene: ACACB (acetyl-CoA carboxylase beta; plus strand). Cytogenetic location: 12q24.11.
Variant type: single nucleotide variant.
Coding change: c.1950C>T on transcript NM_001093.4 (MANE Select); coding-DNA position 1950, C replaced by T.
Protein change: p.Ala650=; no amino-acid change (alanine 650 retained).
Molecular consequence: synonymous variant.
Genome position (GRCh38, 1-based): chr12:109,185,710, C>T. VCF-style: chr12-109185710-C-T. GRCh37 (hg19) VCF-style: chr12-109623515-C-T.
Identifiers: ClinVar variation 730800 (VCV000730800.29), dbSNP rs143351589, ClinGen allele CA6773426.